The following is an entry in ClinVar:

ClinVar aggregate classification (germline): Uncertain significance (1 of 4 stars; one submission).

Conditions:
RASopathy. Also called: rasopathies; Noonan spectrum disorder. Identifiers: Orphanet 536391, MedGen C5555857, MONDO:0021060.

Submission:

Labcorp Genetics (formerly Invitae), Labcorp
Classification: Uncertain significance for RASopathy. Last evaluated: 2025-11-06. Review status: criteria provided, single submitter. Criteria: Invitae Variant Classification Sherloc (09022015). Collection method: clinical testing. Allele origin: germline.
Comment: This sequence change replaces serine, which is neutral and polar, with phenylalanine, which is neutral and non-polar, at codon 23 of the MAP2K2 protein (p.Ser23Phe). This variant is not present in population databases (gnomAD no frequency). This variant has not been reported in the literature in individuals affected with MAP2K2-related conditions. ClinVar contains an entry for this variant (Variation ID: 3682942). Invitae Evidence Modeling of protein sequence and biophysical properties (such as structural, functional, and spatial information, amino acid conservation, physicochemical variation, residue mobility, and thermodynamic stability) has been performed for this missense variant. However, the output from this modeling did not meet the statistical confidence thresholds required to predict the impact of this variant on MAP2K2 protein function. In summary, the available evidence is currently insufficient to determine the role of this variant in disease. Therefore, it has been classified as a Variant of Uncertain Significance.

NM_030662.4(MAP2K2):c.68C>T (p.Ser23Phe)

Genes: MAP2K2 (mitogen-activated protein kinase kinase 2; minus strand), LOC130063193 (ATAC-STARR-seq lymphoblastoid silent region 9881; plus strand). Cytogenetic location: 19p13.3.
Variant type: single nucleotide variant.
Coding change: c.68C>T on transcript NM_030662.4 (MANE Select); coding-DNA position 68, C replaced by T.
Protein change: p.Ser23Phe; replaces serine 23 with phenylalanine.
Molecular consequence: missense variant.
Genome position (GRCh38, 1-based): chr19:4,123,808, G>A on the plus strand (C>T on the coding strand, the complement: MAP2K2 is on the minus strand). VCF-style: chr19-4123808-G-A. GRCh37 (hg19) VCF-style: chr19-4123805-G-A.
Other names: short protein forms S23F.
Identifiers: ClinVar variation 3682942 (VCV003682942.2).
Genomic context (GRCh38, chr19:4,123,808, plus strand): 5'-GCACCCCAAGCCTCCGGCTGACCCCTGCCCACTCACTCGGAGGCGCCCTCGCTGGTAGGG[G>A]ATGGGCCCTCGGCGATGGTAGGGTTGATGGTGAGCGCCGGCAGCACCGGCTTCCTCCGGG-3'
Protein context (NP_109587.1, residues 13-33): TINPTIAEGP[Ser23Phe]PTSEGASEAN